The following is an entry in ClinVar:

ClinVar aggregate classification (germline): Uncertain significance (1 of 4 stars; one submission).

Conditions:
Neurodevelopmental disorder. Identifiers: MedGen C1535926, MeSH D065886, MONDO:0700092.

Allele frequency attached by ClinVar (database versions not stated): gnomAD exomes below 0.00001.

Submission:

Broad Center for Mendelian Genomics, Broad Institute of MIT and Harvard
Classification: Uncertain significance for Neurodevelopmental disorder. Last evaluated: 2024-06-19. Review status: criteria provided, single submitter. Criteria: ACMG Guidelines, 2015. Collection method: curation. Allele origin: germline. Inheritance: Autosomal dominant inheritance. Study: GREGoR Consortium.
Comment: While this gene is still lacking sufficient evidence to establish a gene-disease relationship, we believe this is a possible novel gene candidate for neurodevelopmental disorders. Given the limited information about this gene-disease relationship, the significance of the p.His1224ArgfsTer11 variant is uncertain. If you have any additional information about functional evidence or other individuals with this phenotype that also have variants in ARFGEF3 we encourage you to reach out to us.

NM_020340.5(ARFGEF3):c.3671_3672del (p.His1224fs)

Gene: ARFGEF3 (ARFGEF family member 3; plus strand). Cytogenetic location: 6q23.3.
Variant type: Deletion.
Coding change: c.3671_3672del on transcript NM_020340.5 (MANE Select); coding-DNA positions 3671 to 3672, 2 bases deleted (AT; older notation c.3671_3672delAT).
Protein change: p.His1224fs; shifts the reading frame from histidine 1224.
Molecular consequence: frameshift variant.
Genome position (GRCh38, 1-based): chr6:138,298,628-138,298,629, AT deleted. VCF-style (leftmost placement, unchanged base first): chr6-138298627-CAT-C. GRCh37 (hg19) VCF-style: chr6-138619764-CAT-C.
Other names: NM_020340.5:c.3671_3672del; short protein forms H1224fs.
Identifiers: ClinVar variation 3252065 (VCV003252065.1), dbSNP rs2482587638.
Genomic context (GRCh38, chr6:138,298,627, plus strand): 5'-CTGTCCTGATGGTGAGCCACTCTCTCGTGAATTTTGCAGGCTGCTTGCCATAAGGAAAGA[CAT>C]GTGTCTCAGAAGGCTGTTTCCTTCATCCATGACATACTGACAGAAGTCCTCACTGACTGG-3'